The following is an entry in ClinVar:

ClinVar aggregate classification (germline): Uncertain significance (1 of 4 stars; one submission).

Conditions:
Myoclonic dystonia 11 (DYT11). Also called: Myoclonic dystonia; DYT-SGCE; Dystonia 11; Dystonia, alcohol responsive; Hereditary essential myoclonus; SGCE Myoclonus-Dystonia. Identifiers: Orphanet 36899, MedGen C1834570, MONDO:0008044, OMIM 159900.

Allele frequency attached by ClinVar (database versions not stated): gnomAD exomes below 0.00001 and 0.00001; TOPMed below 0.00001.
gnomAD v4.1: 3 of 1,609,020 alleles (0.00019%); highest among the groups gnomAD compares: Admixed American, 0.0033%; no homozygotes.

Submission:

Labcorp Genetics (formerly Invitae), Labcorp
Classification: Uncertain significance for Myoclonic dystonia 11. Last evaluated: 2024-05-21. Review status: criteria provided, single submitter. Criteria: Invitae Variant Classification Sherloc (09022015). Collection method: clinical testing. Allele origin: germline.
Comment: This sequence change replaces methionine, which is neutral and non-polar, with valine, which is neutral and non-polar, at codon 351 of the SGCE protein (p.Met351Val). This variant is present in population databases (no rsID available, gnomAD 0.006%). This variant has not been reported in the literature in individuals affected with SGCE-related conditions. ClinVar contains an entry for this variant (Variation ID: 853280). Advanced modeling of protein sequence and biophysical properties (such as structural, functional, and spatial information, amino acid conservation, physicochemical variation, residue mobility, and thermodynamic stability) performed at Invitae indicates that this missense variant is not expected to disrupt SGCE protein function with a negative predictive value of 80%. In summary, the available evidence is currently insufficient to determine the role of this variant in disease. Therefore, it has been classified as a Variant of Uncertain Significance.

NM_003919.3(SGCE):c.1051A>G (p.Met351Val)

Genes: CASD1 (CAS1 domain sialic acid O acetyltransferase 1; plus strand), SGCE (sarcoglycan epsilon; minus strand). Cytogenetic location: 7q21.3.
Variant type: single nucleotide variant.
Coding change: c.1051A>G on transcript NM_003919.3 (MANE Select); coding-DNA position 1051, A replaced by G.
Protein change: p.Met351Val; replaces methionine 351 with valine.
Molecular consequence: missense variant. On other transcripts: intron variant (6).
Genome position (GRCh38, 1-based): chr7:94,599,710, T>C on the plus strand (A>G on the coding strand, the complement: SGCE is on the minus strand). VCF-style: chr7-94599710-T-C. GRCh37 (hg19) VCF-style: chr7-94229022-T-C.
Other names: c.1051A>G, p.Met351Val (NM_001099401.2); c.928A>G, p.Met310Val (NM_001301139.2); c.1159A>G, p.Met387Val (NM_001346713.2); c.964A>G, p.Met322Val (NM_001346719.2); c.778A>G, p.Met260Val (NM_001346720.2); c.915-747A>G (NM_001362809.2); c.1038-747A>G (NM_001346717.2, NM_001099400.2); c.1146-747A>G (NM_001346715.2); and 2 more; short protein forms M387V, M260V, M310V, M322V, M351V.
Identifiers: ClinVar variation 853280 (VCV000853280.9), dbSNP rs1206683317, ClinGen allele CA368229626.
Genomic context (GRCh38, chr7:94,599,710, plus strand): 5'-AGGTGGGAAAAAATGATGAAGAAAATAACAGGAAAGAAGACACTTACTCTGGTGTTTGCA[T>C]GTTTCTCTTTTCCCTAGAAACAAAACAAAATTTATGAATTAAATAATAGCATTGATATTT-3'
Protein context (NP_003910.1, residues 341-361): CRREGVEKRN[Met351Val]QTPDIQLVHH